The following is an entry in ClinVar:

NM_013432.5(TONSL):c.1111del (p.Ala371fs)

Gene: TONSL (tonsoku like, DNA repair protein; minus strand). Cytogenetic location: 8q24.3.
Variant type: Deletion.
Coding change: c.1111del on transcript NM_013432.5 (MANE Select); coding-DNA position 1111, one base deleted (G; older notation c.1111delG).
Protein change: p.Ala371fs; shifts the reading frame from alanine 371.
Molecular consequence: frameshift variant.
Genome position (GRCh38, 1-based): chr8:144,440,771, C deleted on the plus strand (G on the coding strand, the reverse complement: TONSL is on the minus strand); the first of 4 consecutive C bases (chr8:144,440,771-144,440,774); deleting any one gives the same sequence. VCF-style (leftmost placement, unchanged base first): chr8-144440770-GC-G. GRCh37 (hg19) VCF-style: chr8-145666153-GC-G.
Other names: short protein forms A371fs.
Identifiers: ClinVar variation 2124816 (VCV002124816.4), dbSNP rs2537502482, ClinGen allele CA2580078706.

ClinVar aggregate classification (germline): Pathogenic (1 of 4 stars; one submission).

Submission:

Labcorp Genetics (formerly Invitae), Labcorp
Classification: Pathogenic. Last evaluated: 2022-04-11. Review status: criteria provided, single submitter. Criteria: Invitae Variant Classification Sherloc (09022015). Collection method: clinical testing. Allele origin: germline.
Comment: For these reasons, this variant has been classified as Pathogenic. This variant has not been reported in the literature in individuals affected with TONSL-related conditions. This variant is not present in population databases (gnomAD no frequency). This sequence change creates a premature translational stop signal (p.Ala371Profs*9) in the TONSL gene. It is expected to result in an absent or disrupted protein product. Loss-of-function variants in TONSL are known to be pathogenic (PMID: 30773277).

Literature cited by the submitters: PubMed 30773277.